The following is an entry in ClinVar:

ClinVar aggregate classification (germline): Uncertain significance (1 of 4 stars; one submission).

Conditions:
Werner syndrome (WRN). Identifiers: Orphanet 902, MedGen C0043119, MONDO:0010196, OMIM 277700.

Allele frequency attached by ClinVar (database versions not stated): gnomAD 0.00001.
gnomAD v4.1: 2 of 1,613,776 alleles (0.00012%); highest among the groups gnomAD compares: African/African-American, 0.0013%; no homozygotes.

Submission:

Labcorp Genetics (formerly Invitae), Labcorp
Classification: Uncertain significance for Werner syndrome. Last evaluated: 2024-03-06. Review status: criteria provided, single submitter. Criteria: Invitae Variant Classification Sherloc (09022015). Collection method: clinical testing. Allele origin: germline.
Comment: This sequence change replaces serine, which is neutral and polar, with arginine, which is basic and polar, at codon 1275 of the WRN protein (p.Ser1275Arg). This variant is not present in population databases (gnomAD no frequency). This variant has not been reported in the literature in individuals affected with WRN-related conditions. ClinVar contains an entry for this variant (Variation ID: 1955147). Algorithms developed to predict the effect of missense changes on protein structure and function output the following: SIFT: "Not Available"; PolyPhen-2: "Benign"; Align-GVGD: "Not Available". The arginine amino acid residue is found in multiple mammalian species, which suggests that this missense change does not adversely affect protein function. In summary, the available evidence is currently insufficient to determine the role of this variant in disease. Therefore, it has been classified as a Variant of Uncertain Significance.

NM_000553.6(WRN):c.3825C>G (p.Ser1275Arg)

Gene: WRN (WRN RecQ like helicase; plus strand). Cytogenetic location: 8p12.
Variant type: single nucleotide variant.
Coding change: c.3825C>G on transcript NM_000553.6 (MANE Select); coding-DNA position 3825, C replaced by G.
Protein change: p.Ser1275Arg; replaces serine 1275 with arginine.
Molecular consequence: missense variant.
Genome position (GRCh38, 1-based): chr8:31,157,373, C>G. VCF-style: chr8-31157373-C-G. GRCh37 (hg19) VCF-style: chr8-31014889-C-G.
Other names: short protein forms S1275R.
Identifiers: ClinVar variation 1955147 (VCV001955147.5), dbSNP rs1803425567, ClinGen allele CA370929284.
Genomic context (GRCh38, chr8:31,157,373, plus strand): 5'-TGACTGGAGTGGACACTTTTACAACTCACTGGGTTCTTTGCTGATCTTTCTCTAGAAGAG[C>G]ATAGCTGAGAGCAGGATTCTGCCTCTCATGACAATTGGCATGCACTTATCCCAAGCGGTG-3'
Protein context (NP_000544.2, residues 1265-1285): LFQEKKMPLK[Ser1275Arg]IAESRILPLM